The following is an entry in ClinVar:

NM_198407.2(GHSR):c.271C>T (p.Leu91Phe)

Gene: GHSR (growth hormone secretagogue receptor; minus strand). Cytogenetic location: 3q26.31.
Variant type: single nucleotide variant.
Coding change: c.271C>T on transcript NM_198407.2 (MANE Select); coding-DNA position 271, C replaced by T.
Protein change: p.Leu91Phe; replaces leucine 91 with phenylalanine.
Molecular consequence: missense variant.
Genome position (GRCh38, 1-based): chr3:172,448,143, G>A on the plus strand (C>T on the coding strand, the complement: GHSR is on the minus strand). VCF-style: chr3-172448143-G-A. GRCh37 (hg19) VCF-style: chr3-172165933-G-A.
Other names: c.271C>T, p.Leu91Phe (NM_004122.2); short protein forms L91F.
Identifiers: ClinVar variation 344201 (VCV000344201.16), dbSNP rs79053943, ClinGen allele CA2706497.

ClinVar aggregate classification (germline): Benign/Likely benign. Review status: criteria provided, multiple submitters, no conflicts (2 of 4 stars). 5 submissions from 5 submitters: Benign (3); Likely benign (2). Last evaluated 2026-06-03.

Conditions:
Short stature due to growth hormone secretagogue receptor deficiency (GHDP). Also called: Short stature due to GHSR deficiency. Identifiers: Orphanet 314811, MedGen C5887324, MONDO:0014403, OMIM 615925.

Allele frequency attached by ClinVar (database versions not stated): gnomAD exomes 0.00035 and 0.00091; ExAC 0.00122; gnomAD 0.00371 and 0.00394; ESP Exome Variant Server 0.00377; TOPMed 0.00403; 1000 Genomes Project 0.00539; 1000 Genomes Project 30x 0.00609.
gnomAD v4.1: 1,098 of 1,614,224 alleles (0.068%); highest among the groups gnomAD compares: African/African-American, 1.2%; 8 homozygotes.

Submissions (5):

Women's Health and Genetics/Laboratory Corporation of America, LabCorp
Classification: Likely benign. Last evaluated: 2026-06-03. Review status: criteria provided, single submitter. Criteria: LabCorp Variant Classification Summary - May 2015. Collection method: clinical testing. Allele origin: germline.
Comment: Variant summary: GHSR c.271C>T (p.Leu91Phe) results in a non-conservative amino acid change in the encoded protein sequence. Algorithms developed to predict the effect of missense changes on protein structure and function are either unavailable or do not agree on the potential impact of this missense change. The variant allele was found at a frequency of 0.00091 in 251202 control chromosomes, predominantly at a frequency of 0.012 within the African or African-American subpopulation in the gnomAD database, including 2 homozygotes. The observed variant frequency within African or African-American control individuals in the gnomAD database exceeds the estimated maximal expected allele frequency for disease-causing variants in GHSR. To our knowledge, no occurrence of c.271C>T in individuals affected with GHSR-related conditions and no experimental evidence demonstrating its impact on protein function have been reported. ClinVar contains an entry for this variant (Variation ID: 344201). Based on the evidence outlined above, the variant was classified as likely benign.

Labcorp Genetics (formerly Invitae), Labcorp
Classification: Benign. Last evaluated: 2025-10-28. Review status: criteria provided, single submitter. Criteria: Invitae Variant Classification Sherloc (09022015). Collection method: clinical testing. Allele origin: germline.

Blueprint Genetics
Classification: Likely benign. Last evaluated: 2024-11-06. Review status: criteria provided, single submitter. Criteria: ACMG Guidelines, 2015. Collection method: clinical testing. Allele origin: germline.

Illumina Laboratory Services, Illumina
Classification: Benign for Short stature due to growth hormone secretagogue receptor deficiency. Last evaluated: 2018-01-13. Review status: criteria provided, single submitter. Criteria: ICSL Variant Classification Criteria 13 December 2019. Collection method: clinical testing. Allele origin: germline.
Comment: This variant was observed in the ICSL laboratory as part of a predisposition screen in an ostensibly healthy population. It had not been previously curated by ICSL or reported in the Human Gene Mutation Database (HGMD: prior to June 1st, 2018), and was therefore a candidate for classification through an automated scoring system. Utilizing variant allele frequency, disease prevalence and penetrance estimates, and inheritance mode, an automated score was calculated to assess if this variant is too frequent to cause the disease. Based on the score and internal cut-off values, a variant classified as benign is not then subjected to further curation. The score for this variant resulted in a classification of benign for this disease.

Breakthrough Genomics
Classification: Benign. Review status: criteria provided, single submitter. Criteria: ACMG Guidelines, 2015. Collection method: not provided. Allele origin: germline. Inheritance: Autosomal dominant inheritance. Affected: yes.